The following is an entry in ClinVar:

NM_016239.4(MYO15A):c.2374T>A (p.Leu792Met)

Gene: MYO15A (myosin XVA; plus strand). Cytogenetic location: 17p11.2.
Variant type: single nucleotide variant.
Coding change: c.2374T>A on transcript NM_016239.4 (MANE Select); coding-DNA position 2374, T replaced by A.
Protein change: p.Leu792Met; replaces leucine 792 with methionine.
Molecular consequence: missense variant.
Genome position (GRCh38, 1-based): chr17:18,121,174, T>A. VCF-style: chr17-18121174-T-A. GRCh37 (hg19) VCF-style: chr17-18024488-T-A.
Other names: short protein forms L792M.
Identifiers: ClinVar variation 1421317 (VCV001421317.5), dbSNP rs2142254274, ClinGen allele CA398583983.

ClinVar aggregate classification (germline): Uncertain significance (1 of 4 stars; one submission).

Allele frequency attached by ClinVar (database versions not stated): gnomAD exomes below 0.00001.
gnomAD v4.1: 2 of 1,515,782 alleles (0.00013%); highest among the groups gnomAD compares: Non-Finnish European, 0.000088%; no homozygotes.

Submission:

Labcorp Genetics (formerly Invitae), Labcorp
Classification: Uncertain significance. Last evaluated: 2024-11-11. Review status: criteria provided, single submitter. Criteria: Invitae Variant Classification Sherloc (09022015). Collection method: clinical testing. Allele origin: germline.
Comment: This sequence change replaces leucine, which is neutral and non-polar, with methionine, which is neutral and non-polar, at codon 792 of the MYO15A protein (p.Leu792Met). This variant is not present in population databases (gnomAD no frequency). This variant has not been reported in the literature in individuals affected with MYO15A-related conditions. ClinVar contains an entry for this variant (Variation ID: 1421317). Invitae Evidence Modeling of protein sequence and biophysical properties (such as structural, functional, and spatial information, amino acid conservation, physicochemical variation, residue mobility, and thermodynamic stability) indicates that this missense variant is not expected to disrupt MYO15A protein function with a negative predictive value of 95%. In summary, the available evidence is currently insufficient to determine the role of this variant in disease. Therefore, it has been classified as a Variant of Uncertain Significance.